The following is an entry in ClinVar:

NM_002067.5(GNA11):c.659T>C (p.Phe220Ser)

Gene: GNA11 (G protein subunit alpha 11; plus strand). Cytogenetic location: 19p13.3.
Variant type: single nucleotide variant.
Coding change: c.659T>C on transcript NM_002067.5 (MANE Select); coding-DNA position 659, T replaced by C.
Protein change: p.Phe220Ser; replaces phenylalanine 220 with serine.
Molecular consequence: missense variant.
Genome position (GRCh38, 1-based): chr19:3,118,977, T>C. VCF-style: chr19-3118977-T-C. GRCh37 (hg19) VCF-style: chr19-3118975-T-C.
Other names: short protein forms F220S.
Identifiers: ClinVar variation 1399819 (VCV001399819.8), dbSNP rs2145326128, ClinGen allele CA403310661.

ClinVar aggregate classification (germline): Uncertain significance (1 of 4 stars; one submission).

Submission:

Labcorp Genetics (formerly Invitae), Labcorp
Classification: Uncertain significance. Last evaluated: 2021-05-10. Review status: criteria provided, single submitter. Criteria: Invitae Variant Classification Sherloc (09022015). Collection method: clinical testing. Allele origin: germline.
Comment: This sequence change replaces phenylalanine with serine at codon 220 of the GNA11 protein (p.Phe220Ser). The phenylalanine residue is highly conserved and there is a large physicochemical difference between phenylalanine and serine. This variant is not present in population databases (ExAC no frequency). This variant has been observed in individual(s) with clinical features of familial hypocalciuric hypercalcemia (PMID: 28833550). Experimental studies have shown that this variant affects GNA11 protein function (PMID: 28833550). In summary, the available evidence is currently insufficient to determine the role of this variant in disease. Therefore, it has been classified as a Variant of Uncertain Significance.

Literature cited by the submitters: PubMed 28833550.